The following is an entry in ClinVar:

ClinVar aggregate classification (germline): Uncertain significance (1 of 4 stars; one submission).

Submission:

Ambry Genetics
Classification: Uncertain significance. Last evaluated: 2025-01-16. Review status: criteria provided, single submitter. Criteria: Ambry Variant Classification Scheme 2023. Collection method: clinical testing. Allele origin: germline.
Comment: The p.E63K variant (also known as c.187G>A), located in coding exon 3 of the RINT1 gene, results from a G to A substitution at nucleotide position 187. The glutamic acid at codon 63 is replaced by lysine, an amino acid with similar properties. This amino acid position is conserved. In addition, this alteration is predicted to be tolerated by in silico analysis. Based on the available evidence, the clinical significance of this variant remains unclear.

NM_021930.6(RINT1):c.187G>A (p.Glu63Lys)

Gene: RINT1 (RAD50 interactor 1; plus strand). Cytogenetic location: 7q22.3.
Variant type: single nucleotide variant.
Coding change: c.187G>A on transcript NM_021930.6 (MANE Select); coding-DNA position 187, G replaced by A.
Protein change: p.Glu63Lys; replaces glutamic acid 63 with lysine.
Molecular consequence: missense variant. On other transcripts: 5 prime UTR variant (3), non-coding transcript variant (1), intron variant (1).
Genome position (GRCh38, 1-based): chr7:105,536,663, G>A. VCF-style: chr7-105536663-G-A. GRCh37 (hg19) VCF-style: chr7-105177110-G-A.
Other names: c.-833G>A (NM_001346600.2); c.-736G>A (NM_001346601.2); c.-356G>A (NM_001346603.2); c.39+51G>A (NM_001346599.2); short protein forms E63K.
Identifiers: ClinVar variation 3789218 (VCV003789218.1).
Genomic context (GRCh38, chr7:105,536,663, plus strand): 5'-GTCAGTGAAGGTACAGATAATGGTGATCTCCCTTCTTATGTGTCTGCATTCATAGAAAAG[G>A]AAGTTGGAAATGACCTTAAATCTTTAAAGAAACTTGATAAACTCATAGAACAGAGGACAG-3'
Protein context (NP_068749.3, residues 53-73): PSYVSAFIEK[Glu63Lys]VGNDLKSLKK